The following is an entry in ClinVar:

ClinVar aggregate classification (germline): Uncertain significance. Review status: criteria provided, single submitter (1 of 4 stars). 2 submissions from 2 submitters: Uncertain significance (1). 1 of the submissions does not count toward it. Last evaluated 2025-06-01.

Conditions:
Walker-Warburg congenital muscular dystrophy. Also called: Muscular dystrophy-dystroglycanopathy, type A; Walker-Warburg syndrome. Identifiers: Orphanet 899, MedGen C0265221, MONDO:0000171.

Allele frequency attached by ClinVar (database versions not stated): gnomAD 0.00001; gnomAD exomes 0.00001; TOPMed 0.00001; ExAC 0.00002.
gnomAD v4.1: 14 of 1,613,676 alleles (0.00087%); highest among the groups gnomAD compares: East Asian, 0.013%; no homozygotes.

Submissions (2):

Labcorp Genetics (formerly Invitae), Labcorp
Classification: Uncertain significance for Walker-Warburg congenital muscular dystrophy. Last evaluated: 2025-06-01. Review status: criteria provided, single submitter. Criteria: Invitae Variant Classification Sherloc (09022015). Collection method: clinical testing. Allele origin: germline.
Comment: This sequence change replaces histidine, which is basic and polar, with tyrosine, which is neutral and polar, at codon 186 of the FKTN protein (p.His186Tyr). This variant is present in population databases (rs767961629, gnomAD 0.02%). This variant has not been reported in the literature in individuals affected with FKTN-related conditions. ClinVar contains an entry for this variant (Variation ID: 645742). Invitae Evidence Modeling of protein sequence and biophysical properties (such as structural, functional, and spatial information, amino acid conservation, physicochemical variation, residue mobility, and thermodynamic stability) has been performed for this missense variant. However, the output from this modeling did not meet the statistical confidence thresholds required to predict the impact of this variant on FKTN protein function. In summary, the available evidence is currently insufficient to determine the role of this variant in disease. Therefore, it has been classified as a Variant of Uncertain Significance.

Natera, Inc.
Classification: Uncertain significance for Walker-Warburg congenital muscular dystrophy. Last evaluated: 2020-04-01. Review status: no assertion criteria provided. Collection method: clinical testing. Allele origin: germline. Not counted in ClinVar's aggregate classification.

NM_001079802.2(FKTN):c.556C>T (p.His186Tyr)

Gene: FKTN (fukutin; plus strand). Cytogenetic location: 9q31.2.
Variant type: single nucleotide variant.
Coding change: c.556C>T on transcript NM_001079802.2 (MANE Select); coding-DNA position 556, C replaced by T.
Protein change: p.His186Tyr; replaces histidine 186 with tyrosine.
Molecular consequence: missense variant. On other transcripts: non-coding transcript variant (2).
Genome position (GRCh38, 1-based): chr9:105,604,401, C>T. VCF-style: chr9-105604401-C-T. GRCh37 (hg19) VCF-style: chr9-108366682-C-T.
Other names: c.556C>T, p.His186Tyr (NM_001198963.2, NM_001351496.2, NM_001351498.2 and 1 more transcripts); c.487C>T, p.His163Tyr (NM_001351497.2); c.160C>T, p.His54Tyr (NM_001351499.2, NM_001351500.2, NM_001351501.2 and 1 more transcripts); short protein forms H163Y, H186Y, H54Y.
Identifiers: ClinVar variation 645742 (VCV000645742.8), dbSNP rs767961629, ClinGen allele CA5170436.